The following is an entry in ClinVar:

ClinVar aggregate classification (germline): Benign (1 of 4 stars; one submission).

Conditions:
Sessile serrated polyposis cancer syndrome (SSPCS). Identifiers: Orphanet 157798, MedGen C4310714, MONDO:0014919, OMIM 617108.

gnomAD v4.1: 1 of 1,612,796 alleles (0.000062%); highest among the groups gnomAD compares: Non-Finnish European, 0.000085%; no homozygotes.

Submission:

Myriad Genetics, Inc.
Classification: Benign for Sessile serrated polyposis cancer syndrome. Last evaluated: 2026-06-29. Review status: criteria provided, single submitter. Criteria: Myriad Autosomal Dominant, Autosomal Recessive and X-Linked Classification Criteria (2023). Collection method: clinical testing. Allele origin: unknown.
Comment: This variant is considered benign. This variant is a silent/synonymous amino acid change and it is not expected to impact splicing.

NM_017763.6(RNF43):c.417T>C (p.Phe139=)

Gene: RNF43 (ring finger protein 43; minus strand). Cytogenetic location: 17q22.
Variant type: single nucleotide variant.
Coding change: c.417T>C on transcript NM_017763.6 (MANE Select); coding-DNA position 417, T replaced by C.
Protein change: p.Phe139=; no amino-acid change (phenylalanine 139 retained).
Molecular consequence: synonymous variant.
Genome position (GRCh38, 1-based): chr17:58,363,559, A>G on the plus strand (T>C on the coding strand, the complement: RNF43 is on the minus strand). VCF-style: chr17-58363559-A-G. GRCh37 (hg19) VCF-style: chr17-56440920-A-G.
Other names: c.417T>C, p.Phe139= (NM_001438821.1, NM_001438822.1, NM_001305544.3 and 1 more transcripts); c.36T>C, p.Phe12= (NM_001305545.2, NM_001437987.1).
Identifiers: ClinVar variation 4875791 (VCV004875791.1).